The following is an entry in ClinVar:

NM_020937.4(FANCM):c.6137C>A (p.Ser2046Tyr)

Gene: FANCM (FA complementation group M; plus strand). Cytogenetic location: 14q21.2.
Variant type: single nucleotide variant.
Coding change: c.6137C>A on transcript NM_020937.4 (MANE Select); coding-DNA position 6137, C replaced by A.
Protein change: p.Ser2046Tyr; replaces serine 2046 with tyrosine.
Molecular consequence: missense variant.
Genome position (GRCh38, 1-based): chr14:45,199,998, C>A. VCF-style: chr14-45199998-C-A. GRCh37 (hg19) VCF-style: chr14-45669201-C-A.
Other names: c.6059C>A, p.Ser2020Tyr (NM_001308133.2); short protein forms S2020Y, S2046Y.
Identifiers: ClinVar variation 2811389 (VCV002811389.4), dbSNP rs368311802, ClinGen allele CA389588570.
Genomic context (GRCh38, chr14:45,199,998, plus strand): 5'-TTCACTATGTATTTGACATACAAATGTTACCAAATGATCTTAACCAAGATAGACTGAAAT[C>A]TGATATATAATCAAGCTGCTCAAGATGGGGTTTTCAAAGACCTCTCACAATATTAAATGC-3'
Protein context (NP_065988.1, residues 2036-2048): PNDLNQDRLK[Ser2046Tyr]DI

ClinVar aggregate classification (germline): Uncertain significance. Review status: criteria provided, multiple submitters, no conflicts (2 of 4 stars). 2 submissions from 2 submitters: Uncertain significance (2). Last evaluated 2025-04-28.

Conditions:
Inborn genetic diseases. Identifiers: MedGen C0950123, MeSH D030342.
Fanconi anemia (FA). Also called: Fanconi's anemia. Identifiers: Orphanet 84, MedGen C0015625, MeSH D005199, MONDO:0019391.

gnomAD v4.1: 3 of 1,607,484 alleles (0.00019%); highest among the groups gnomAD compares: South Asian, 0.0022%; no homozygotes.

Submissions (2):

Ambry Genetics
Classification: Uncertain significance for Inborn genetic diseases. Last evaluated: 2025-04-28. Review status: criteria provided, single submitter. Criteria: Ambry Variant Classification Scheme 2023. Collection method: clinical testing. Allele origin: germline.
Comment: The p.S2046Y variant (also known as c.6137C>A), located in coding exon 23 of the FANCM gene, results from a C to A substitution at nucleotide position 6137. The serine at codon 2046 is replaced by tyrosine, an amino acid with dissimilar properties. This amino acid position is conserved. In addition, this alteration is predicted to be tolerated by in silico analysis. Based on the available evidence, the clinical significance of this variant remains unclear.

Labcorp Genetics (formerly Invitae), Labcorp
Classification: Uncertain significance for Fanconi anemia. Last evaluated: 2022-11-14. Review status: criteria provided, single submitter. Criteria: Invitae Variant Classification Sherloc (09022015). Collection method: clinical testing. Allele origin: germline.
Comment: This sequence change replaces serine, which is neutral and polar, with tyrosine, which is neutral and polar, at codon 2046 of the FANCM protein (p.Ser2046Tyr). This variant is present in population databases (no rsID available, gnomAD 0.003%). This variant has not been reported in the literature in individuals affected with FANCM-related conditions. Algorithms developed to predict the effect of missense changes on protein structure and function (SIFT, PolyPhen-2, Align-GVGD) all suggest that this variant is likely to be tolerated. In summary, the available evidence is currently insufficient to determine the role of this variant in disease. Therefore, it has been classified as a Variant of Uncertain Significance.